The following is an entry in ClinVar:

NM_018975.4(TERF2IP):c.757A>G (p.Met253Val)

Gene: TERF2IP (TERF2 interacting protein; plus strand). Cytogenetic location: 16q23.1.
Variant type: single nucleotide variant.
Coding change: c.757A>G on transcript NM_018975.4 (MANE Select); coding-DNA position 757, A replaced by G.
Protein change: p.Met253Val; replaces methionine 253 with valine.
Molecular consequence: missense variant. On other transcripts: non-coding transcript variant (1).
Genome position (GRCh38, 1-based): chr16:75,654,359, A>G. VCF-style: chr16-75654359-A-G. GRCh37 (hg19) VCF-style: chr16-75688257-A-G.
Other names: short protein forms M253V.
Identifiers: ClinVar variation 4702659 (VCV004702659.1).

ClinVar aggregate classification (germline): Uncertain significance (1 of 4 stars; one submission).

gnomAD v4.1: 22 of 1,613,822 alleles (0.0014%); highest among the groups gnomAD compares: Non-Finnish European, 0.0018%; no homozygotes.

Submission:

Labcorp Genetics (formerly Invitae), Labcorp
Classification: Uncertain significance. Last evaluated: 2025-12-01. Review status: criteria provided, single submitter. Criteria: Invitae Variant Classification Sherloc (09022015). Collection method: clinical testing. Allele origin: germline.
Comment: This sequence change replaces methionine, which is neutral and non-polar, with valine, which is neutral and non-polar, at codon 253 of the TERF2IP protein (p.Met253Val). This variant is not present in population databases (gnomAD no frequency). This variant has not been reported in the literature in individuals affected with TERF2IP-related conditions. An algorithm developed to predict the effect of missense changes on protein structure and function (PolyPhen-2) suggests that this variant is likely to be tolerated. Algorithms developed to predict the effect of sequence changes on RNA splicing suggest that this variant may create or strengthen a splice site. In summary, the available evidence is currently insufficient to determine the role of this variant in disease. Therefore, it has been classified as a Variant of Uncertain Significance.